The following is an entry in ClinVar:

NM_003482.4(KMT2D):c.14575C>T (p.Gln4859Ter)

Gene: KMT2D (lysine methyltransferase 2D; minus strand). Cytogenetic location: 12q13.12.
Variant type: single nucleotide variant.
Coding change: c.14575C>T on transcript NM_003482.4 (MANE Select); coding-DNA position 14575, C replaced by T.
Protein change: p.Gln4859Ter; replaces glutamine 4859 with a stop codon.
Molecular consequence: nonsense.
Genome position (GRCh38, 1-based): chr12:49,027,871, G>A on the plus strand (C>T on the coding strand, the complement: KMT2D is on the minus strand). VCF-style: chr12-49027871-G-A. GRCh37 (hg19) VCF-style: chr12-49421654-G-A.
Other names: short protein forms Q4859*.
Identifiers: ClinVar variation 931395 (VCV000931395.3), dbSNP rs1942683224, ClinGen allele CA384694323.

ClinVar aggregate classification (germline): Pathogenic (1 of 4 stars; one submission).

Conditions:
Kabuki syndrome 1 (KABUK1). Also called: KMT2D-Related Kabuki Syndrome. Identifiers: Orphanet 2322, MedGen CN030661, MONDO:0007843, OMIM 147920.

Submission:

Centre for Mendelian Genomics, University Medical Centre Ljubljana
Classification: Pathogenic for Kabuki syndrome 1. Last evaluated: 2016-01-01. Review status: criteria provided, single submitter. Criteria: ACMG Guidelines, 2015. Collection method: clinical testing. Allele origin: unknown. Affected: yes.
Comment: This variant was classified as: Pathogenic. The following ACMG criteria were applied in classifying this variant: PVS1,PM2,PP3.